The following is an entry in ClinVar:

ClinVar aggregate classification (germline): Conflicting classifications of pathogenicity. Review status: criteria provided, conflicting classifications (1 of 4 stars). 3 submissions from 3 submitters: Uncertain significance (2); Likely benign (1). Last evaluated 2023-03-23.

Conditions:
Hereditary cancer-predisposing syndrome. Also called: Hereditary neoplastic syndrome; Neoplastic Syndromes, Hereditary; Tumor predisposition; Hereditary Cancer Syndrome. Identifiers: Orphanet 140162, MedGen C0027672, MeSH D009386, MONDO:0015356.
Hereditary breast ovarian cancer syndrome. Also called: Hereditary breast and ovarian cancer syndrome (HBOC); Breast and ovarian cancer; Hereditary breast and/or ovarian cancer syndrome; BRCA1- and BRCA2-Associated Hereditary Breast and Ovarian Cancer; Hereditary breast and ovarian cancer syndrome; Hereditary breast and ovarian cancer. Identifiers: Orphanet 145, MedGen C0677776, MeSH D061325, MONDO:0003582. Disease mechanism: loss of function.

Submissions (3):

University of Washington Department of Laboratory Medicine, University of Washington
Classification: Likely benign for Hereditary cancer-predisposing syndrome. Last evaluated: 2023-03-23. Review status: criteria provided, single submitter. Criteria: Dines et al. (Genet Med. 2020). Collection method: curation. Allele origin: germline.
Comment: Missense variant in a coldspot region where missense variants are very unlikely to be pathogenic (PMID:31911673).

BRCA2 exon 11 coldspot. Reclassification based on statistical prior probability.

Labcorp Genetics (formerly Invitae), Labcorp
Classification: Uncertain significance for Hereditary breast ovarian cancer syndrome. Last evaluated: 2022-03-01. Review status: criteria provided, single submitter. Criteria: Invitae Variant Classification Sherloc (09022015). Collection method: clinical testing. Allele origin: germline.
Comment: In summary, the available evidence is currently insufficient to determine the role of this variant in disease. Therefore, it has been classified as a Variant of Uncertain Significance. Advanced modeling of protein sequence and biophysical properties (such as structural, functional, and spatial information, amino acid conservation, physicochemical variation, residue mobility, and thermodynamic stability) performed at Invitae indicates that this missense variant is not expected to disrupt BRCA2 protein function. ClinVar contains an entry for this variant (Variation ID: 185932). This variant has not been reported in the literature in individuals affected with BRCA2-related conditions. This variant is not present in population databases (gnomAD no frequency). This sequence change replaces valine, which is neutral and non-polar, with alanine, which is neutral and non-polar, at codon 2166 of the BRCA2 protein (p.Val2166Ala).

Ambry Genetics
Classification: Uncertain significance for Hereditary cancer-predisposing syndrome. Last evaluated: 2014-08-11. Review status: criteria provided, single submitter. Criteria: Ambry Variant Classification Scheme 2023. Collection method: clinical testing. Allele origin: germline.
Comment: The p.V2166A variant (also known as c.6497T>C), located in coding exon 10 of the BRCA2 gene, results from a T to C substitution at nucleotide position 6497. The valine at codon 2166 is replaced by alanine, an amino acid with similar properties. This variant was reported in 1/60,466 breast cancer cases and in 0/53,461 controls (Dorling et al. N Engl J Med. 2021 02;384:428-439).This amino acid position is not well conserved in available vertebrate species. In addition, the in silico prediction for this alteration is inconclusive. Since supporting evidence is limited at this time, the clinical significance of this alteration remains unclear.

Literature cited by the submitters: PubMed 33471991 (cited by Ambry Genetics).

NM_000059.4(BRCA2):c.6497T>C (p.Val2166Ala)

Gene: BRCA2 (BRCA2 DNA repair associated; plus strand). Cytogenetic location: 13q13.1.
Variant type: single nucleotide variant.
Coding change: c.6497T>C on transcript NM_000059.4 (MANE Select); coding-DNA position 6497, T replaced by C.
Protein change: p.Val2166Ala; replaces valine 2166 with alanine.
Molecular consequence: missense variant.
Genome position (GRCh38, 1-based): chr13:32,340,852, T>C. VCF-style: chr13-32340852-T-C. GRCh37 (hg19) VCF-style: chr13-32914989-T-C.
Other names: short protein forms V2166A.
Identifiers: ClinVar variation 185932 (VCV000185932.11), dbSNP rs786202572, ClinGen allele CA024117.